The following is an entry in ClinVar:

NM_001400225.1(MGA):c.4681A>T (p.Asn1561Tyr)

Gene: MGA (MAX dimerization protein MGA; plus strand). Cytogenetic location: 15q15.1.
Variant type: single nucleotide variant.
Coding change: c.4681A>T on transcript NM_001400225.1 (MANE Select); coding-DNA position 4681, A replaced by T.
Protein change: p.Asn1561Tyr; replaces asparagine 1561 with tyrosine.
Molecular consequence: missense variant. On other transcripts: intron variant (1).
Genome position (GRCh38, 1-based): chr15:41,740,152, A>T. VCF-style: chr15-41740152-A-T. GRCh37 (hg19) VCF-style: chr15-42032350-A-T.
Other names: c.4534A>T, p.Asn1512Tyr (NM_001080541.3, NM_001164273.2); c.4104+3784A>T (NM_001400242.1); short protein forms N1512Y, N1561Y.
Identifiers: ClinVar variation 5009591 (VCV005009591.1).

ClinVar aggregate classification (germline): Uncertain significance (1 of 4 stars; one submission).

Submission:

GeneDx
Classification: Uncertain significance. Last evaluated: 2026-02-20. Review status: criteria provided, single submitter. Criteria: GeneDx Variant Classification Process June 2021. Collection method: clinical testing. Allele origin: germline.
Comment: Not observed at significant frequency in large population cohorts (gnomAD); In silico analysis supports that this missense variant has a deleterious effect on protein structure/function; Has not been previously published as pathogenic or benign to our knowledge